The following is an entry in ClinVar:

ClinVar aggregate classification (germline): Pathogenic/Likely pathogenic. Review status: criteria provided, multiple submitters, no conflicts (2 of 4 stars). 3 submissions from 3 submitters: Pathogenic (1); Likely pathogenic (2). Last evaluated 2022-12-01.

Submissions (3):

CeGaT Center for Human Genetics Tuebingen
Classification: Likely pathogenic. Last evaluated: 2022-12-01. Review status: criteria provided, single submitter. Criteria: CeGaT Center For Human Genetics Tuebingen Variant Classification Criteria Version 2. Collection method: clinical testing. Allele origin: germline. Affected: yes. Observed: 1 variant allele.
Comment: SLC7A9: PVS1:Strong, PM2, PP4

Labcorp Genetics (formerly Invitae), Labcorp
Classification: Pathogenic. Last evaluated: 2018-04-25. Review status: criteria provided, single submitter. Criteria: Invitae Variant Classification Sherloc (09022015). Collection method: clinical testing. Allele origin: germline.
Comment: Loss-of-function variants in SLC7A9 are known to be pathogenic (PMID: 11157794). For these reasons, this variant has been classified as Pathogenic. This variant has not been reported in the literature in individuals with SLC7A9-related disease. This variant is present in population databases (rs770340227, ExAC 0.002%). This sequence change creates a premature translational stop signal (p.Thr320Glyfs*43) in the SLC7A9 gene. It is expected to result in an absent or disrupted protein product.

GeneDx
Classification: Likely pathogenic. Last evaluated: 2018-01-31. Review status: criteria provided, single submitter. Criteria: GeneDx Variant Classification (06012015). Collection method: clinical testing. Allele origin: germline. Affected: yes.
Comment: The c.956_957dupGG variant in the SLC7A9 gene has not been reported previously as a pathogenic variant nor as a benign variant, to our knowledge. The c.956_957dupGG variant causes a frameshift starting with Threonine 320, changes this amino acid to a Glycine residue, and creates a premature Stop codon at position 43 of the new reading frame, denoted p.Thr320GlyfsX43. This variant is predicted to cause loss of normal protein function either through protein truncation or nonsense-mediated mRNA decay. The c.956_957dupGG variant is not observed in large population cohorts (Lek et al., 2016). We interpret c.956_957dupGG as a likely pathogenic variant.

Literature cited by the submitters: PubMed 11157794 (cited by Labcorp Genetics (formerly Invitae), Labcorp).

NM_014270.5(SLC7A9):c.956_957dup (p.Thr320fs)

Gene: SLC7A9 (solute carrier family 7 member 9; minus strand). Cytogenetic location: 19q13.11.
Variant type: Duplication.
Coding change: c.956_957dup on transcript NM_014270.5 (MANE Select); coding-DNA positions 956 to 957, 2 bases duplicated (GG; older notation c.956_957dupGG).
Protein change: p.Thr320fs; shifts the reading frame from threonine 320.
Molecular consequence: frameshift variant.
Genome position (GRCh38, 1-based): chr19:32,858,460-32,858,461, CC duplicated on the plus strand (GG on the coding strand, the reverse complement: SLC7A9 is on the minus strand); duplicating any 2 consecutive bases within chr19:32,858,460-32,858,462 gives the same sequence; the c. name uses the placement nearest the transcript's 3' end. VCF-style (leftmost placement, unchanged base first): chr19-32858459-T-TCC. GRCh37 (hg19) VCF-style: chr19-33349365-T-TCC.
Other names: c.956_957dup, p.Thr320fs (NM_001126335.2, NM_001243036.2); c.956_957dupGG (NM_014270.4); short protein forms T320fs.
Identifiers: ClinVar variation 504259 (VCV000504259.36), dbSNP rs770340227, ClinGen allele CA9358570.
Genomic context (GRCh38, chr19:32,858,459, plus strand): 5'-CGCCCCTGTCCACCCTGGGAGTGACGGTGGGGGTCCCCTACCTGCCCGCTGTGAAGCAGG[T>TCC]CCCGTTAGCAGCACCGATGGTTGAAAATGCCACAAAAAGTGGAACGATCCAAGAAGCAGG-3'